The following is an entry in ClinVar:

NM_182931.3(KMT2E):c.1388_1389del (p.Lys463fs)

Gene: KMT2E (lysine methyltransferase 2E (inactive); plus strand). Cytogenetic location: 7q22.3.
Variant type: Deletion.
Coding change: c.1388_1389del on transcript NM_182931.3 (MANE Select); coding-DNA positions 1388 to 1389, 2 bases deleted (AA; older notation c.1388_1389delAA).
Protein change: p.Lys463fs; shifts the reading frame from lysine 463.
Molecular consequence: frameshift variant.
Genome position (GRCh38, 1-based): chr7:105,090,038-105,090,039, AA deleted; deleting any 2 consecutive bases within chr7:105,090,037-105,090,039 gives the same sequence; the c. name uses the placement nearest the transcript's 3' end. VCF-style (leftmost placement, unchanged base first): chr7-105090036-CAA-C. GRCh37 (hg19) VCF-style: chr7-104730483-CAA-C.
Other names: c.1388_1389delAA, p.Lys463Argfs (NM_001410908.1); c.1388_1389del, p.Lys463fs (NM_018682.4); short protein forms K463fs.
Identifiers: ClinVar variation 1878260 (VCV001878260.1), dbSNP rs2536461799, ClinGen allele CA2580076083.

ClinVar aggregate classification (germline): Likely pathogenic (1 of 4 stars; one submission).

Conditions:
O'Donnell-Luria-Rodan syndrome (ODLURO). Also called: KMT2E-Related Neurodevelopmental Disorder. Identifiers: MedGen C5193138, MONDO:0032793, OMIM 618512.

Submission:

Women's Health and Genetics/Laboratory Corporation of America, LabCorp
Classification: Likely pathogenic for O'Donnell-Luria-Rodan syndrome. Last evaluated: 2022-12-08. Review status: criteria provided, single submitter. Criteria: LabCorp Variant Classification Summary - May 2015. Collection method: clinical testing. Allele origin: germline.
Comment: Variant summary: KMT2E c.1388_1389delAA (p.Lys463ArgfsX11) results in a premature termination codon, predicted to cause a truncation of the encoded protein or absence of the protein due to nonsense mediated decay, which are commonly known mechanisms for disease. Truncations downstream of this position have been reported in HGMD in assocation with Intellectual disability, developmental delay, epilepsy and macrocephaly. The variant was absent in 250290 control chromosomes. To our knowledge, no occurrence of c.1388_1389delAA in individuals affected with O'Donnell-Luria-Rodan Syndrome and no experimental evidence demonstrating its impact on protein function have been reported. No clinical diagnostic laboratories have submitted clinical-significance assessments for this variant to ClinVar after 2014. Based on the evidence outlined above, the variant was classified as likely pathogenic.